The following is an entry in ClinVar:

NM_000260.4(MYO7A):c.991C>G (p.Leu331Val)

Gene: MYO7A (myosin VIIA; plus strand). Cytogenetic location: 11q13.5.
Variant type: single nucleotide variant.
Coding change: c.991C>G on transcript NM_000260.4 (MANE Select); coding-DNA position 991, C replaced by G.
Protein change: p.Leu331Val; replaces leucine 331 with valine.
Molecular consequence: missense variant.
Genome position (GRCh38, 1-based): chr11:77,158,418, C>G. VCF-style: chr11-77158418-C-G. GRCh37 (hg19) VCF-style: chr11-76869464-C-G.
Other names: c.991C>G, p.Leu331Val (NM_001127180.2); c.958C>G, p.Leu320Val (NM_001369365.1); short protein forms L331V, L320V.
Identifiers: ClinVar variation 3690020 (VCV003690020.2).

ClinVar aggregate classification (germline): Uncertain significance (1 of 4 stars; one submission).

Submission:

Labcorp Genetics (formerly Invitae), Labcorp
Classification: Uncertain significance. Last evaluated: 2024-12-02. Review status: criteria provided, single submitter. Criteria: Invitae Variant Classification Sherloc (09022015). Collection method: clinical testing. Allele origin: germline.
Comment: This sequence change replaces leucine, which is neutral and non-polar, with valine, which is neutral and non-polar, at codon 331 of the MYO7A protein (p.Leu331Val). This variant is not present in population databases (gnomAD no frequency). This variant has not been reported in the literature in individuals affected with MYO7A-related conditions. Invitae Evidence Modeling of protein sequence and biophysical properties (such as structural, functional, and spatial information, amino acid conservation, physicochemical variation, residue mobility, and thermodynamic stability) indicates that this missense variant is not expected to disrupt MYO7A protein function with a negative predictive value of 95%. In summary, the available evidence is currently insufficient to determine the role of this variant in disease. Therefore, it has been classified as a Variant of Uncertain Significance.